The following is an entry in ClinVar:

ClinVar aggregate classification (germline): Uncertain significance. Review status: criteria provided, multiple submitters, no conflicts (2 of 4 stars). 2 submissions from 2 submitters: Uncertain significance (2). Last evaluated 2026-01-23.

Conditions:
Van Maldergem syndrome 2 (VMLDS2). Identifiers: Orphanet 314679, MedGen C3809875, MONDO:0014242, OMIM 615546.
Hennekam lymphangiectasia-lymphedema syndrome 2 (HKLLS2). Identifiers: Orphanet 2136, MedGen C4014939, MONDO:0014454, OMIM 616006.

Allele frequency attached by ClinVar (database versions not stated): gnomAD exomes 0.00002; ExAC 0.00003; TOPMed 0.00010; gnomAD 0.00012 and 0.00014; ESP Exome Variant Server 0.00017.
gnomAD v4.1: 106 of 1,613,808 alleles (0.0066%); highest among the groups gnomAD compares: African/African-American, 0.021%; no homozygotes.

Submissions (2):

Labcorp Genetics (formerly Invitae), Labcorp
Classification: Uncertain significance. Last evaluated: 2026-01-23. Review status: criteria provided, single submitter. Criteria: Invitae Variant Classification Sherloc (09022015). Collection method: clinical testing. Allele origin: germline.
Comment: This sequence change replaces valine, which is neutral and non-polar, with methionine, which is neutral and non-polar, at codon 1334 of the FAT4 protein (p.Val1334Met). This variant is present in population databases (rs368607709, gnomAD 0.008%). This variant has not been reported in the literature in individuals affected with FAT4-related conditions. ClinVar contains an entry for this variant (Variation ID: 1508743). Invitae Evidence Modeling of protein sequence and biophysical properties (such as structural, functional, and spatial information, amino acid conservation, physicochemical variation, residue mobility, and thermodynamic stability) indicates that this missense variant is expected to disrupt FAT4 protein function with a positive predictive value of 80%. In summary, the available evidence is currently insufficient to determine the role of this variant in disease. Therefore, it has been classified as a Variant of Uncertain Significance.

Fulgent Genetics
Classification: Uncertain significance for Van Maldergem syndrome 2; Hennekam lymphangiectasia-lymphedema syndrome 2. Last evaluated: 2024-04-13. Review status: criteria provided, single submitter. Criteria: ACMG Guidelines, 2015. Collection method: clinical testing. Allele origin: germline.

NM_001291303.3(FAT4):c.4000G>A (p.Val1334Met)

Gene: FAT4 (FAT atypical cadherin 4; plus strand). Cytogenetic location: 4q28.1.
Variant type: single nucleotide variant.
Coding change: c.4000G>A on transcript NM_001291303.3 (MANE Select); coding-DNA position 4000, G replaced by A.
Protein change: p.Val1334Met; replaces valine 1334 with methionine.
Molecular consequence: missense variant.
Genome position (GRCh38, 1-based): chr4:125,320,411, G>A. VCF-style: chr4-125320411-G-A. GRCh37 (hg19) VCF-style: chr4-126241566-G-A.
Other names: c.4000G>A (NM_024582.5); c.4000G>A, p.Val1334Met (NM_001291285.3, NM_024582.6); short protein forms V1334M.
Identifiers: ClinVar variation 1508743 (VCV001508743.5), dbSNP rs368607709, ClinGen allele CA3072399.
Genomic context (GRCh38, chr4:125,320,411, plus strand): 5'-TCTTTCCCTAAATCAACACTCTTTGTTGATGTTTTGGAAAACATGAGAATTGGTGAACTC[G>A]TGTCCTCTGTTACTGCAACTGATTCCGATTCAGGTGACAATGCTGATTTATATTACAGTA-3'
Protein context (NP_001278232.1, residues 1324-1344): VLENMRIGEL[Val1334Met]SSVTATDSDS